The following is an entry in ClinVar:

ClinVar aggregate classification (germline): Uncertain significance (1 of 4 stars; one submission).

Conditions:
Cystic fibrosis (CF). Also called: MUCOVISCIDOSIS. Identifiers: Orphanet 586, MedGen C0010674, MONDO:0009061, OMIM 219700. Disease mechanism: loss of function.

Submission:

Ambry Genetics
Classification: Uncertain significance for Cystic fibrosis. Last evaluated: 2024-12-16. Review status: criteria provided, single submitter. Criteria: Ambry Variant Classification Scheme 2023. Collection method: clinical testing. Allele origin: germline.
Comment: The p.K1317E variant (also known as c.3949A>G), located in coding exon 24 of the CFTR gene, results from an A to G substitution at nucleotide position 3949. The lysine at codon 1317 is replaced by glutamic acid, an amino acid with similar properties. This amino acid position is conserved. In addition, this alteration is predicted to be deleterious by in silico analysis. Based on the available evidence, the clinical significance of this variant remains unclear.

NM_000492.4(CFTR):c.3949A>G (p.Lys1317Glu)

Gene: CFTR (CF transmembrane conductance regulator; plus strand). Cytogenetic location: 7q31.2.
Variant type: single nucleotide variant.
Coding change: c.3949A>G on transcript NM_000492.4 (MANE Select); coding-DNA position 3949, A replaced by G.
Protein change: p.Lys1317Glu; replaces lysine 1317 with glutamic acid.
Molecular consequence: missense variant.
Genome position (GRCh38, 1-based): chr7:117,652,917, A>G. VCF-style: chr7-117652917-A-G. GRCh37 (hg19) VCF-style: chr7-117292971-A-G.
Other names: short protein forms K1317E.
Identifiers: ClinVar variation 3832553 (VCV003832553.1).
Genomic context (GRCh38, chr7:117,652,917, plus strand): 5'-TCTGGAACATTTAGAAAAAACTTGGATCCCTATGAACAGTGGAGTGATCAAGAAATATGG[A>G]AAGTTGCAGATGAGGTAAGGCTGCTAACTGAAATGATTTTGAAAGGGGTAACTCATACCA-3'
Protein context (NP_000483.3, residues 1307-1327): YEQWSDQEIW[Lys1317Glu]VADEVGLRSV